The following is an entry in ClinVar:

NM_001458.5(FLNC):c.6512A>G (p.Gln2171Arg)

Genes: FLNC (filamin C; plus strand), FLNC-AS1 (FLNC antisense RNA 1; minus strand). Cytogenetic location: 7q32.1.
Variant type: single nucleotide variant.
Coding change: c.6512A>G on transcript NM_001458.5 (MANE Select); coding-DNA position 6512, A replaced by G.
Protein change: p.Gln2171Arg; replaces glutamine 2171 with arginine.
Molecular consequence: missense variant.
Genome position (GRCh38, 1-based): chr7:128,854,001, A>G. VCF-style: chr7-128854001-A-G. GRCh37 (hg19) VCF-style: chr7-128494055-A-G.
Other names: c.6413A>G, p.Gln2138Arg (NM_001127487.2); short protein forms Q2138R, Q2171R.
Identifiers: ClinVar variation 1310649 (VCV001310649.2), dbSNP rs2128939253, ClinGen allele CA369212723.

ClinVar aggregate classification (germline): Uncertain significance (1 of 4 stars; one submission).

Submission:

GeneDx
Classification: Uncertain significance. Last evaluated: 2019-11-27. Review status: criteria provided, single submitter. Criteria: GeneDx Variant Classification Process June 2021. Collection method: clinical testing. Allele origin: germline. Affected: yes.
Comment: Has not been previously published as pathogenic or benign to our knowledge; Not observed in large population cohorts (Lek et al., 2016); In silico analysis, which includes protein predictors and evolutionary conservation, supports that this variant does not alter protein structure/function